The following is an entry in ClinVar:

NM_018263.6(ASXL2):c.448C>T (p.Pro150Ser)

Gene: ASXL2 (ASXL transcriptional regulator 2; minus strand). Cytogenetic location: 2p23.3.
Variant type: single nucleotide variant.
Coding change: c.448C>T on transcript NM_018263.6 (MANE Select); coding-DNA position 448, C replaced by T.
Protein change: p.Pro150Ser; replaces proline 150 with serine.
Molecular consequence: missense variant. On other transcripts: 5 prime UTR variant (1).
Genome position (GRCh38, 1-based): chr2:25,771,496, G>A on the plus strand (C>T on the coding strand, the complement: ASXL2 is on the minus strand). VCF-style: chr2-25771496-G-A. GRCh37 (hg19) VCF-style: chr2-25994365-G-A.
Other names: c.274C>T, p.Pro92Ser (NM_001369346.1); c.-333C>T (NM_001369347.1); short protein forms P150S, P92S.
Identifiers: ClinVar variation 4538224 (VCV004538224.1).

ClinVar aggregate classification (germline): Uncertain significance (1 of 4 stars; one submission).

Submission:

Greenwood Genetic Center Diagnostic Laboratories, Greenwood Genetic Center
Classification: Uncertain significance. Last evaluated: 2025-05-07. Review status: criteria provided, single submitter. Criteria: ACMG Guidelines, 2015. Collection method: clinical testing. Allele origin: germline. Affected: yes.
Comment: Gene of Uncertain Significance